The following is an entry in ClinVar:

NM_001126108.2(SLC12A3):c.2925-1G>A

Genes: SLC12A3 (solute carrier family 12 member 3; plus strand), LOC126862361 (CDK7 strongly-dependent group 2 enhancer GRCh37_chr16:56946332-56947531; plus strand). Cytogenetic location: 16q13.
Variant type: single nucleotide variant.
Coding change: c.2925-1G>A on transcript NM_001126108.2 (MANE Select); the canonical splice acceptor site of the intron before coding-DNA position 2925, G replaced by A.
Molecular consequence: splice acceptor variant.
Genome position (GRCh38, 1-based): chr16:56,913,263, G>A. VCF-style: chr16-56913263-G-A. GRCh37 (hg19) VCF-style: chr16-56947175-G-A.
Other names: c.2952-1G>A (NM_000339.3); c.2949-1G>A (NM_001126107.2); c.2922-1G>A (NM_001410896.1).
Identifiers: ClinVar variation 3236185 (VCV003236185.1), dbSNP rs2543584461, ClinGen allele CA396005504.
Genomic context (GRCh38, chr16:56,913,263, plus strand): 5'-GCTGGGCGTGTGGAGCGGCCCCGTGGTAATCTCTCTTCTACCACTTTTTCATGCCTTGCA[G>A]CACTTTGCCCATAGGGAGGAAGGGGAAGTGCCCCAGCTCGCTGTACATGGCCTGGCTGGA-3'

ClinVar aggregate classification (germline): Likely pathogenic (1 of 4 stars; one submission).

Conditions:
Familial hypokalemia-hypomagnesemia (GTLMNS). Also called: HYPOMAGNESEMIA-HYPOKALEMIA, PRIMARY RENOTUBULAR, WITH HYPOCALCIURIA; POTASSIUM AND MAGNESIUM DEPLETION; gitelman syndrome. Identifiers: Orphanet 358, MedGen C0268450, MONDO:0009904, OMIM 263800.

Submission:

MVZ Medizinische Genetik Mainz
Classification: Likely pathogenic for Familial hypokalemia-hypomagnesemia. Last evaluated: 2023-10-26. Review status: criteria provided, single submitter. Criteria: UK Practice Guidelines For Variant Classification V4 01 2020. Collection method: clinical testing. Allele origin: germline. Inheritance: Autosomal recessive inheritance. Affected: yes. Observed: 1 variant allele.
Comment: ACMG Criteria: PVS1_STR,PM3,PM2_SUP,PP4; Compound Heterozygote